The following is an entry in ClinVar:

NM_000179.3(MSH6):c.4002-3A>C

Gene: MSH6 (mutS homolog 6; plus strand). Cytogenetic location: 2p16.3.
Variant type: single nucleotide variant.
Coding change: c.4002-3A>C on transcript NM_000179.3 (MANE Select); 3 bases into the intron before coding-DNA position 4002, A replaced by C.
Molecular consequence: intron variant.
Genome position (GRCh38, 1-based): chr2:47,806,776, A>C. VCF-style: chr2-47806776-A-C. GRCh37 (hg19) VCF-style: chr2-48033915-A-C.
Other names: c.3096-3A>C (NM_001281493.2, NM_001281494.2); c.3612-3A>C (NM_001281492.2).
Identifiers: ClinVar variation 850784 (VCV000850784.8), dbSNP rs1435779670, ClinGen allele CA916080295.

ClinVar aggregate classification (germline): Conflicting classifications of pathogenicity. Review status: criteria provided, conflicting classifications (1 of 4 stars). 3 submissions from 3 submitters: Uncertain significance (1); Likely benign (2). Last evaluated 2025-07-30.

Conditions:
Lynch syndrome 5 (LYNCH5). Also called: Colorectal cancer, hereditary nonpolyposis, type 5; Hereditary non-polyposis colorectal cancer, type 5. Identifiers: Orphanet 144, MedGen C1833477, MONDO:0013710, OMIM 614350. Disease mechanism: loss of function.
Hereditary cancer-predisposing syndrome. Also called: Tumor predisposition; Neoplastic Syndromes, Hereditary; Hereditary neoplastic syndrome; Hereditary Cancer Syndrome. Identifiers: Orphanet 140162, MedGen C0027672, MeSH D009386, MONDO:0015356.
Hereditary nonpolyposis colorectal neoplasms. Identifiers: MedGen C0009405, MeSH D003123.

Submissions (3):

Labcorp Genetics (formerly Invitae), Labcorp
Classification: Uncertain significance for Hereditary nonpolyposis colorectal neoplasms. Last evaluated: 2025-07-30. Review status: criteria provided, single submitter. Criteria: Invitae Variant Classification Sherloc (09022015). Collection method: clinical testing. Allele origin: germline.
Comment: This sequence change falls in intron 9 of the MSH6 gene. It does not directly change the encoded amino acid sequence of the MSH6 protein. It affects a nucleotide within the consensus splice site. This variant is not present in population databases (gnomAD no frequency). This variant has not been reported in the literature in individuals affected with MSH6-related conditions. ClinVar contains an entry for this variant (Variation ID: 850784). Variants that disrupt the consensus splice site are a relatively common cause of aberrant splicing (PMID: 17576681, 9536098). Algorithms developed to predict the effect of sequence changes on RNA splicing suggest that this variant may create or strengthen a splice site. In summary, the available evidence is currently insufficient to determine the role of this variant in disease. Therefore, it has been classified as a Variant of Uncertain Significance.

Color Diagnostics, LLC DBA Color Health
Classification: Likely benign for Hereditary cancer-predisposing syndrome. Last evaluated: 2025-07-25. Review status: criteria provided, single submitter. Criteria: ACMG Guidelines, 2015. Collection method: clinical testing. Allele origin: germline.

Myriad Genetics, Inc.
Classification: Likely benign for Lynch syndrome 5. Last evaluated: 2025-01-09. Review status: criteria provided, single submitter. Criteria: Myriad Autosomal Dominant, Autosomal Recessive and X-Linked Classification Criteria (2023). Collection method: clinical testing. Allele origin: unknown.
Comment: This variant is considered likely benign. This variant is intronic and is not expected to impact mRNA splicing.

Literature cited by the submitters: PubMed 17576681 (cited by Labcorp Genetics (formerly Invitae), Labcorp); PubMed 9536098 (cited by Labcorp Genetics (formerly Invitae), Labcorp).